The following is an entry in ClinVar:

ClinVar aggregate classification (germline): Uncertain significance (1 of 4 stars; one submission).

Allele frequency attached by ClinVar (database versions not stated): ExAC 0.00001; gnomAD 0.00001.
gnomAD v4.1: 2 of 1,613,150 alleles (0.00012%); highest among the groups gnomAD compares: Non-Finnish European, 0.00017%; no homozygotes.

Submission:

Labcorp Genetics (formerly Invitae), Labcorp
Classification: Uncertain significance. Last evaluated: 2024-03-01. Review status: criteria provided, single submitter. Criteria: Invitae Variant Classification Sherloc (09022015). Collection method: clinical testing. Allele origin: germline.
Comment: This sequence change replaces serine, which is neutral and polar, with leucine, which is neutral and non-polar, at codon 1329 of the SPEG protein (p.Ser1329Leu). This variant is present in population databases (rs759255863, gnomAD 0.003%). This variant has not been reported in the literature in individuals affected with SPEG-related conditions. ClinVar contains an entry for this variant (Variation ID: 2416269). An algorithm developed to predict the effect of missense changes on protein structure and function (PolyPhen-2) suggests that this variant is likely to be tolerated. In summary, the available evidence is currently insufficient to determine the role of this variant in disease. Therefore, it has been classified as a Variant of Uncertain Significance.

NM_005876.5(SPEG):c.3986C>T (p.Ser1329Leu)

Gene: SPEG (striated muscle enriched protein kinase; plus strand). Cytogenetic location: 2q35.
Variant type: single nucleotide variant.
Coding change: c.3986C>T on transcript NM_005876.5 (MANE Select); coding-DNA position 3986, C replaced by T.
Protein change: p.Ser1329Leu; replaces serine 1329 with leucine.
Molecular consequence: missense variant.
Genome position (GRCh38, 1-based): chr2:219,472,935, C>T. VCF-style: chr2-219472935-C-T. GRCh37 (hg19) VCF-style: chr2-220337657-C-T.
Other names: short protein forms S1329L.
Identifiers: ClinVar variation 2416269 (VCV002416269.6), dbSNP rs759255863, ClinGen allele CA2126367.